The following is an entry in ClinVar:

NM_002599.5(PDE2A):c.805G>C (p.Glu269Gln)

Gene: PDE2A (phosphodiesterase 2A; minus strand). Cytogenetic location: 11q13.4.
Variant type: single nucleotide variant.
Coding change: c.805G>C on transcript NM_002599.5 (MANE Select); coding-DNA position 805, G replaced by C.
Protein change: p.Glu269Gln; replaces glutamic acid 269 with glutamine.
Molecular consequence: missense variant.
Genome position (GRCh38, 1-based): chr11:72,589,933, C>G on the plus strand (G>C on the coding strand, the complement: PDE2A is on the minus strand). VCF-style: chr11-72589933-C-G. GRCh37 (hg19) VCF-style: chr11-72300977-C-G.
Other names: c.784G>C, p.Glu262Gln (NM_001143839.4); c.778G>C, p.Glu260Gln (NM_001146209.3); c.742G>C, p.Glu248Gln (NM_001243784.2); short protein forms E262Q, E269Q, E248Q, E260Q.
Identifiers: ClinVar variation 1950384 (VCV001950384.5), dbSNP rs776707661, ClinGen allele CA6172428.
Genomic context (GRCh38, chr11:72,589,933, plus strand): 5'-CCGCCCCCGCTCTACAGTGGACCTGGGCCCTCACCTTGCAAGAAAGCTGGAGATTGTCCT[C>G]CGACACCAGCAGGAGGCAGCAGCGGGATGCCCGGGTCTCCTGCTGCAGCTGAGAGAGGGA-3'
Protein context (NP_002590.1, residues 259-279): ASRCCLLLVS[Glu269Gln]DNLQLSCKVI

ClinVar aggregate classification (germline): Uncertain significance (1 of 4 stars; one submission).

Allele frequency attached by ClinVar (database versions not stated): ExAC 0.00001; gnomAD exomes 0.00001.
gnomAD v4.1: 7 of 1,613,430 alleles (0.00043%); highest among the groups gnomAD compares: Non-Finnish European, 0.00059%; no homozygotes.

Submission:

Labcorp Genetics (formerly Invitae), Labcorp
Classification: Uncertain significance. Last evaluated: 2025-08-21. Review status: criteria provided, single submitter. Criteria: Invitae Variant Classification Sherloc (09022015). Collection method: clinical testing. Allele origin: germline.
Comment: This sequence change replaces glutamic acid, which is acidic and polar, with glutamine, which is neutral and polar, at codon 269 of the PDE2A protein (p.Glu269Gln). This variant is present in population databases (rs776707661, gnomAD 0.002%). This variant has not been reported in the literature in individuals affected with PDE2A-related conditions. ClinVar contains an entry for this variant (Variation ID: 1950384). An algorithm developed to predict the effect of missense changes on protein structure and function (PolyPhen-2) suggests that this variant is likely to be tolerated. In summary, the available evidence is currently insufficient to determine the role of this variant in disease. Therefore, it has been classified as a Variant of Uncertain Significance.